The following is an entry in ClinVar:

NM_000535.7(PMS2):c.1759A>G (p.Ser587Gly)

Gene: PMS2 (PMS1 homolog 2, mismatch repair system component; minus strand). Cytogenetic location: 7p22.1.
Variant type: single nucleotide variant.
Coding change: c.1759A>G on transcript NM_000535.7 (MANE Select); coding-DNA position 1759, A replaced by G.
Protein change: p.Ser587Gly; replaces serine 587 with glycine.
Molecular consequence: missense variant. On other transcripts: non-coding transcript variant (1).
Genome position (GRCh38, 1-based): chr7:5,987,006, T>C on the plus strand (A>G on the coding strand, the complement: PMS2 is on the minus strand). VCF-style: chr7-5987006-T-C. GRCh37 (hg19) VCF-style: chr7-6026637-T-C.
Other names: c.1354A>G, p.Ser452Gly (NM_001322003.2, NM_001322004.2, NM_001322005.2 and 1 more transcripts); c.1603A>G, p.Ser535Gly (NM_001322006.2); c.1441A>G, p.Ser481Gly (NM_001322007.2, NM_001322008.2); c.1198A>G, p.Ser400Gly (NM_001322010.2); c.826A>G, p.Ser276Gly (NM_001322011.2, NM_001322012.2); c.1186A>G, p.Ser396Gly (NM_001322013.2); c.1759A>G, p.Ser587Gly (NM_001322014.2); c.1450A>G, p.Ser484Gly (NM_001322015.2); short protein forms S276G, S535G, S396G, S484G, S587G, S400G, S452G, S481G.
Identifiers: ClinVar variation 863026 (VCV000863026.11), dbSNP rs1554297277, ClinGen allele CA366740001.

ClinVar aggregate classification (germline): Conflicting classifications of pathogenicity. Review status: criteria provided, conflicting classifications (1 of 4 stars). 2 submissions from 2 submitters: Uncertain significance (1); Likely benign (1). Last evaluated 2026-08-17.

Conditions:
Hereditary nonpolyposis colorectal neoplasms. Identifiers: MedGen C0009405, MeSH D003123.
Hereditary cancer-predisposing syndrome. Also called: Tumor predisposition; Hereditary neoplastic syndrome; Neoplastic Syndromes, Hereditary; Hereditary Cancer Syndrome. Identifiers: Orphanet 140162, MedGen C0027672, MeSH D009386, MONDO:0015356.

Submissions (2):

Ambry Genetics
Classification: Likely benign for Hereditary cancer-predisposing syndrome. Last evaluated: 2026-08-17. Review status: criteria provided, single submitter. Criteria: Ambry Variant Classification Scheme 2023. Collection method: clinical testing. Allele origin: germline.

Labcorp Genetics (formerly Invitae), Labcorp
Classification: Uncertain significance for Hereditary nonpolyposis colorectal neoplasms. Last evaluated: 2024-08-27. Review status: criteria provided, single submitter. Criteria: Invitae Variant Classification Sherloc (09022015). Collection method: clinical testing. Allele origin: germline.
Comment: This sequence change replaces serine, which is neutral and polar, with glycine, which is neutral and non-polar, at codon 587 of the PMS2 protein (p.Ser587Gly). This variant is not present in population databases (gnomAD no frequency). This variant has not been reported in the literature in individuals affected with PMS2-related conditions. ClinVar contains an entry for this variant (Variation ID: 863026). Invitae Evidence Modeling of protein sequence and biophysical properties (such as structural, functional, and spatial information, amino acid conservation, physicochemical variation, residue mobility, and thermodynamic stability) indicates that this missense variant is not expected to disrupt PMS2 protein function with a negative predictive value of 80%. In summary, the available evidence is currently insufficient to determine the role of this variant in disease. Therefore, it has been classified as a Variant of Uncertain Significance.